The following is an entry in ClinVar:

ClinVar aggregate classification (germline): Pathogenic/Likely pathogenic. Review status: criteria provided, multiple submitters, no conflicts (2 of 4 stars). 3 submissions from 3 submitters: Pathogenic (2); Likely pathogenic (1). Last evaluated 2023-09-08.

Conditions:
Autosomal recessive limb-girdle muscular dystrophy type 2O. Also called: Limb-Girdle Muscular Dystrophy Type 3C; MUSCULAR DYSTROPHY-DYSTROGLYCANOPATHY, LIMB-GIRDLE, POMGNT1-RELATED; MUSCULAR DYSTROPHY-DYSTROGLYCANOPATHY (LIMB-GIRDLE), TYPE C, 3. Identifiers: Orphanet 206564, MedGen C3150417, MONDO:0013161, OMIM 613157.
Muscular dystrophy-dystroglycanopathy (congenital with impaired intellectual development), type B, 3. Also called: Muscular dystrophy-dystroglycanopathy (congenital with intellectual disability), type B3; MUSCULAR DYSTROPHY, CONGENITAL, POMGNT1-RELATED. Identifiers: MedGen C3150412, MONDO:0013155, OMIM 613151.
Muscular dystrophy-dystroglycanopathy (congenital with brain and eye anomalies), type A3. Also called: Congenital muscular dystrophy-dystroglycanopathy with brain and eye anomalies, type A3; Muscular dystrophy-dystroglycanopathy (congenital with brain and eye anomalies), type A, 3; WALKER-WARBURG SYNDROME OR MUSCLE-EYE-BRAIN DISEASE, POMGNT1-RELATED. Identifiers: MedGen C3151519, MONDO:0009667, OMIM 253280.

Allele frequency attached by ClinVar (database versions not stated): TOPMed below 0.00001.

Submissions (3):

Labcorp Genetics (formerly Invitae), Labcorp
Classification: Pathogenic for Autosomal recessive limb-girdle muscular dystrophy type 2O; Muscular dystrophy-dystroglycanopathy (congenital with impaired intellectual development), type B, 3. Last evaluated: 2023-09-08. Review status: criteria provided, single submitter. Criteria: Invitae Variant Classification Sherloc (09022015). Collection method: clinical testing. Allele origin: germline.
Comment: This variant has not been reported in the literature in individuals affected with POMGNT1-related conditions. This variant is not present in population databases (gnomAD no frequency). This sequence change creates a premature translational stop signal (p.Gln331*) in the POMGNT1 gene. It is expected to result in an absent or disrupted protein product. Loss-of-function variants in POMGNT1 are known to be pathogenic (PMID: 19299310, 20816175, 21447391, 26908613, 27391550). ClinVar contains an entry for this variant (Variation ID: 620470). Algorithms developed to predict the effect of sequence changes on RNA splicing suggest that this variant may disrupt the consensus splice site. For these reasons, this variant has been classified as Pathogenic.

Baylor Genetics
Classification: Likely pathogenic for Muscular dystrophy-dystroglycanopathy (congenital with brain and eye anomalies), type A3. Last evaluated: 2023-03-23. Review status: criteria provided, single submitter. Criteria: ACMG Guidelines, 2015. Collection method: clinical testing. Allele origin: unknown.

GeneDx
Classification: Pathogenic. Last evaluated: 2018-12-04. Review status: criteria provided, single submitter. Criteria: GeneDx Variant Classification (06012015). Collection method: clinical testing. Allele origin: germline. Affected: yes.
Comment: The Q331X variant in the POMGNT1 gene has not been reported previously as a pathogenic variant nor as a benign variant, to our knowledge. This variant is predicted to cause loss of normal protein function either through protein truncation or nonsense-mediated mRNA decay. The Q331X variant is not observed in large population cohorts (Lek et al., 2016). We interpret Q331X as a pathogenic variant.

Literature cited by the submitters: PubMed 19299310 (cited by Labcorp Genetics (formerly Invitae), Labcorp); PubMed 20816175 (cited by Labcorp Genetics (formerly Invitae), Labcorp); PubMed 21447391 (cited by Labcorp Genetics (formerly Invitae), Labcorp); PubMed 26908613 (cited by Labcorp Genetics (formerly Invitae), Labcorp); PubMed 27391550 (cited by Labcorp Genetics (formerly Invitae), Labcorp).

NM_017739.4(POMGNT1):c.991C>T (p.Gln331Ter)

Genes: POMGNT1 (protein O-linked mannose N-acetylglucosaminyltransferase 1 (beta 1,2-); minus strand), TSPAN1 (tetraspanin 1; plus strand). Cytogenetic location: 1p34.1.
Variant type: single nucleotide variant.
Coding change: c.991C>T on transcript NM_017739.4 (MANE Select); coding-DNA position 991, C replaced by T.
Protein change: p.Gln331Ter; replaces glutamine 331 with a stop codon.
Molecular consequence: nonsense.
Genome position (GRCh38, 1-based): chr1:46,193,599, G>A on the plus strand (C>T on the coding strand, the complement: POMGNT1 is on the minus strand). VCF-style: chr1-46193599-G-A. GRCh37 (hg19) VCF-style: chr1-46659271-G-A.
Other names: c.991C>T, p.Gln331Ter (NM_001243766.2, NM_001410783.1); c.925C>T, p.Gln309Ter (NM_001290129.3); c.562C>T, p.Gln188Ter (NM_001290130.2); short protein forms Q331*, Q188*, Q309*.
Identifiers: ClinVar variation 620470 (VCV000620470.7), dbSNP rs1557673817, ClinGen allele CA340180874.